The following is an entry in ClinVar:

ClinVar aggregate classification (germline): Uncertain significance (1 of 4 stars; one submission).

Conditions:
Catecholaminergic polymorphic ventricular tachycardia 1. Also called: RYR2-Related Catecholaminergic Polymorphic Ventricular Tachycardia; VENTRICULAR TACHYCARDIA, STRESS-INDUCED POLYMORPHIC 1; VENTRICULAR TACHYCARDIA, CATECHOLAMINERGIC POLYMORPHIC, 1, WITH OR WITHOUT ATRIAL DYSFUNCTION AND/OR DILATED CARDIOMYOPATHY. Identifiers: Orphanet 3286, MedGen C1631597, MONDO:0011484, OMIM 604772.

Submission:

Labcorp Genetics (formerly Invitae), Labcorp
Classification: Uncertain significance for Catecholaminergic polymorphic ventricular tachycardia 1. Last evaluated: 2020-01-23. Review status: criteria provided, single submitter. Criteria: Invitae Variant Classification Sherloc (09022015). Collection method: clinical testing. Allele origin: germline.
Comment: This sequence change affects codon 279 of the CASQ2 mRNA. It is a 'silent' change, meaning that it does not change the encoded amino acid sequence of the CASQ2 protein. This variant is not present in population databases (ExAC no frequency). This variant has not been reported in the literature in individuals with CASQ2-related conditions. Algorithms developed to predict the effect of sequence changes on RNA splicing suggest that this variant may disrupt the consensus splice site, but this prediction has not been confirmed by published transcriptional studies. In summary, the available evidence is currently insufficient to determine the role of this variant in disease. Therefore, it has been classified as a Variant of Uncertain Significance.

NM_001232.4(CASQ2):c.837A>G (p.Pro279=)

Gene: CASQ2 (calsequestrin 2; minus strand). Cytogenetic location: 1p13.1.
Variant type: single nucleotide variant.
Coding change: c.837A>G on transcript NM_001232.4 (MANE Select); coding-DNA position 837, A replaced by G.
Protein change: p.Pro279=; no amino-acid change (proline 279 retained).
Molecular consequence: synonymous variant.
Genome position (GRCh38, 1-based): chr1:115,717,841, T>C on the plus strand (A>G on the coding strand, the complement: CASQ2 is on the minus strand). VCF-style: chr1-115717841-T-C. GRCh37 (hg19) VCF-style: chr1-116260462-T-C.
Identifiers: ClinVar variation 1036178 (VCV001036178.48), dbSNP rs1647217312, ClinGen allele CA419895838.
Genomic context (GRCh38, chr1:115,717,841, plus strand): 5'-CAAAGGTGAGAAATCAGTTCTTGCTAGAGCTGTAAAAGAGCAGGTTGAAGGTTTCCTACC[T>C]GGATCACTCTTCTCTGCAAAGGCCACAATGTGGATCCCATTCAAATCATCTTCCTGTATG-3'
Protein context (NP_001223.2, residues 269-289): HIVAFAEKSD[Pro279=]DGYEFLEILK